The following is an entry in ClinVar:

ClinVar aggregate classification (germline): Uncertain significance (1 of 4 stars; one submission).

Conditions:
Intellectual developmental disorder, X-linked 108. Also called: MENTAL RETARDATION, X-LINKED 108. Identifiers: MedGen C5193009, MONDO:0026723, OMIM 301024.

Submission:

New York Genome Center
Classification: Uncertain significance for Intellectual developmental disorder, X-linked 108. Last evaluated: 2021-05-27. Review status: criteria provided, single submitter. Criteria: NYGC Assertion Criteria 2020. Collection method: clinical testing. Allele origin: inherited. Observed: 1 hemizygote. Study: CSER-NYCKidSeq.
Comment: This variant is absent from gnomAD(v3.1.1), suggesting it is not a common benign variant in the populations represented in that database. This variant is absent from ClinVar and to our current knowledge has not been reported in affected individuals in the literature. The p.Met485 residue is within one of the helical transmembrane domains of SLC9A7 (UniProtKB: Q96T83). Given the lack of compelling evidence for its pathogenicity, the hemizygous, maternally inherited c.1453_1455del (p.Met485del) variant identified in the SLC9A7 gene is reported as a Variant of UncertainSignificance.

NM_001257291.2(SLC9A7):c.1447ATG[2] (p.Met485del)

Gene: SLC9A7 (solute carrier family 9 member A7; minus strand). Cytogenetic location: Xp11.3.
Variant type: Microsatellite.
Coding change: c.1447ATG[2] on transcript NM_001257291.2 (MANE Select); two copies in a row of the 3-base unit ATG starting at c.1447; the reference has three copies in a row; one copy, 3 bases deleted; also written c.1453_1455del.
Protein change: p.Met485del; deletes methionine 485.
Molecular consequence: inframe deletion.
Genome position (GRCh38, 1-based): chrX:46,648,693-46,648,695, CAT deleted on the plus strand (ATG on the coding strand, the reverse complement: SLC9A7 is on the minus strand); deleting any 3 consecutive bases within chrX:46,648,693-46,648,701 gives the same sequence; the position shown is the placement nearest the transcript's 3' end. VCF-style (leftmost placement, unchanged base first): chrX-46648692-ACAT-A. GRCh37 (hg19) VCF-style: chrX-46508127-ACAT-A.
Other names: c.1453_1455del (NM_001257291.2); c.1444ATG[2], p.Met484del (NM_032591.3); short protein forms M484del, M485del.
Identifiers: ClinVar variation 1679710 (VCV001679710.1), dbSNP rs2146771598, ClinGen allele CA2580617020.